The following is an entry in ClinVar:

ClinVar aggregate classification (germline): Uncertain significance (1 of 4 stars; one submission).

Submission:

Labcorp Genetics (formerly Invitae), Labcorp
Classification: Uncertain significance. Last evaluated: 2022-05-12. Review status: criteria provided, single submitter. Criteria: Invitae Variant Classification Sherloc (09022015). Collection method: clinical testing. Allele origin: germline.
Comment: This variant is not present in population databases (gnomAD no frequency). This sequence change replaces valine, which is neutral and non-polar, with alanine, which is neutral and non-polar, at codon 68 of the DEAF1 protein (p.Val68Ala). This variant has not been reported in the literature in individuals affected with DEAF1-related conditions. Algorithms developed to predict the effect of missense changes on protein structure and function are either unavailable or do not agree on the potential impact of this missense change (SIFT: "Deleterious"; PolyPhen-2: "Possibly Damaging"; Align-GVGD: "Class C0"). In summary, the available evidence is currently insufficient to determine the role of this variant in disease. Therefore, it has been classified as a Variant of Uncertain Significance.

NM_021008.4(DEAF1):c.203T>C (p.Val68Ala)

Gene: DEAF1 (DEAF1 transcription factor; minus strand). Cytogenetic location: 11p15.5.
Variant type: single nucleotide variant.
Coding change: c.203T>C on transcript NM_021008.4 (MANE Select); coding-DNA position 203, T replaced by C.
Protein change: p.Val68Ala; replaces valine 68 with alanine.
Molecular consequence: missense variant. On other transcripts: intron variant (1).
Genome position (GRCh38, 1-based): chr11:694,845, A>G on the plus strand (T>C on the coding strand, the complement: DEAF1 is on the minus strand). VCF-style: chr11-694845-A-G. GRCh37 (hg19) VCF-style: chr11-694845-A-G.
Other names: c.203T>C, p.Val68Ala (NM_001293634.2); c.-437-3247T>C (NM_001367390.1); short protein forms V68A.
Identifiers: ClinVar variation 2116205 (VCV002116205.4), dbSNP rs2133438319, ClinGen allele CA378939404.
Genomic context (GRCh38, chr11:694,845, plus strand): 5'-TCGTCGGGGCCGGGCAGGGCCTCGGCGCCCATGTCCATGTGCCCGGGCTCCGCCGCCATC[A>G]CCGCCACTGCCGTGACCCGCGGCGTCTCCCGCTCCGCCTCCGAGTCTGCGTCCTCCTCCG-3'
Protein context (NP_066288.2, residues 58-78): RETPRVTAVA[Val68Ala]MAAEPGHMDM